The following is an entry in ClinVar:

NM_018082.6(POLR3B):c.2968A>G (p.Thr990Ala)

Genes: POLR3B (RNA polymerase III subunit B; plus strand), RFX4-AS1 (RFX4 antisense RNA 1; minus strand). Cytogenetic location: 12q23.3.
Variant type: single nucleotide variant.
Coding change: c.2968A>G on transcript NM_018082.6 (MANE Select); coding-DNA position 2968, A replaced by G.
Protein change: p.Thr990Ala; replaces threonine 990 with alanine.
Molecular consequence: missense variant.
Genome position (GRCh38, 1-based): chr12:106,496,902, A>G. VCF-style: chr12-106496902-A-G. GRCh37 (hg19) VCF-style: chr12-106890680-A-G.
Other names: c.2794A>G, p.Thr932Ala (NM_001160708.2); short protein forms T932A, T990A.
Identifiers: ClinVar variation 3936014 (VCV003936014.2).

ClinVar aggregate classification (germline): Uncertain significance. Review status: criteria provided, multiple submitters, no conflicts (2 of 4 stars). 2 submissions from 2 submitters: Uncertain significance (2). Last evaluated 2025-05-15.

Conditions:
Inborn genetic diseases. Identifiers: MedGen C0950123, MeSH D030342.

gnomAD v4.1: 10 of 1,614,060 alleles (0.00062%); highest among the groups gnomAD compares: Non-Finnish European, 0.00076%; no homozygotes.

Submissions (2):

Ambry Genetics
Classification: Uncertain significance for Inborn genetic diseases. Last evaluated: 2025-05-15. Review status: criteria provided, single submitter. Criteria: Ambry Variant Classification Scheme 2023. Collection method: clinical testing. Allele origin: germline.

Labcorp Genetics (formerly Invitae), Labcorp
Classification: Uncertain significance. Last evaluated: 2025-05-13. Review status: criteria provided, single submitter. Criteria: Invitae Variant Classification Sherloc (09022015). Collection method: clinical testing. Allele origin: germline.
Comment: This sequence change replaces threonine, which is neutral and polar, with alanine, which is neutral and non-polar, at codon 990 of the POLR3B protein (p.Thr990Ala). This variant is not present in population databases (gnomAD no frequency). This variant has not been reported in the literature in individuals affected with POLR3B-related conditions. Invitae Evidence Modeling of protein sequence and biophysical properties (such as structural, functional, and spatial information, amino acid conservation, physicochemical variation, residue mobility, and thermodynamic stability) indicates that this missense variant is expected to disrupt POLR3B protein function with a positive predictive value of 80%. In summary, the available evidence is currently insufficient to determine the role of this variant in disease. Therefore, it has been classified as a Variant of Uncertain Significance.